The following is an entry in ClinVar:

NM_000069.3(CACNA1S):c.3040G>C (p.Glu1014Gln)

Gene: CACNA1S (calcium voltage-gated channel subunit alpha1 S; minus strand). Cytogenetic location: 1q32.1.
Variant type: single nucleotide variant.
Coding change: c.3040G>C on transcript NM_000069.3 (MANE Select); coding-DNA position 3040, G replaced by C.
Protein change: p.Glu1014Gln; replaces glutamic acid 1014 with glutamine.
Molecular consequence: missense variant.
Genome position (GRCh38, 1-based): chr1:201,061,957, C>G on the plus strand (G>C on the coding strand, the complement: CACNA1S is on the minus strand). VCF-style: chr1-201061957-C-G. GRCh37 (hg19) VCF-style: chr1-201031085-C-G.
Other names: short protein forms E1014Q.
Identifiers: ClinVar variation 1003016 (VCV001003016.10), dbSNP rs776712220, ClinGen allele CA344163185.

ClinVar aggregate classification (germline): Uncertain significance. Review status: criteria provided, multiple submitters, no conflicts (2 of 4 stars). 2 submissions from 2 submitters: Uncertain significance (2). Last evaluated 2023-12-29.

Conditions:
Hypokalemic periodic paralysis, type 1. Also called: HypoPP; Hypokalemic Periodic Paralysis Type 1 (AD). Identifiers: Orphanet 681, MedGen C3714580, MONDO:0042979, OMIM 170400.
Congenital myopathy 18. Also called: Myopathy, congenital, due to dihydropyridine receptor defect; DIHYDROPYRIDINE RECEPTOR CONGENITAL MYOPATHY; DHPR CONGENITAL MYOPATHY. Identifiers: MedGen C5830283, MONDO:0859514, OMIM 620246.
Thyrotoxic periodic paralysis, susceptibility to, 1 (TTPP1). Identifiers: Orphanet 79102, MedGen C2749982, MONDO:0008570, OMIM 188580.
Malignant hyperthermia, susceptibility to, 5 (MHS5). Also called: CACNA1S-Related Malignant Hyperthermia Susceptibility. Identifiers: Orphanet 423, MedGen C1866077, MONDO:0011163, OMIM 601887.

gnomAD v4.1: 11 of 1,614,210 alleles (0.00068%); highest among the groups gnomAD compares: Non-Finnish European, 0.00093%; no homozygotes.

Submissions (2):

Fulgent Genetics
Classification: Uncertain significance for Hypokalemic periodic paralysis, type 1; Thyrotoxic periodic paralysis, susceptibility to, 1; Malignant hyperthermia, susceptibility to, 5; Congenital myopathy 18. Last evaluated: 2023-12-29. Review status: criteria provided, single submitter. Criteria: ACMG Guidelines, 2015. Collection method: clinical testing. Allele origin: germline.

Labcorp Genetics (formerly Invitae), Labcorp
Classification: Uncertain significance for Hypokalemic periodic paralysis, type 1; Malignant hyperthermia, susceptibility to, 5. Last evaluated: 2022-07-12. Review status: criteria provided, single submitter. Criteria: Invitae Variant Classification Sherloc (09022015). Collection method: clinical testing. Allele origin: germline.
Comment: This variant has not been reported in the literature in individuals affected with CACNA1S-related conditions. In summary, the available evidence is currently insufficient to determine the role of this variant in disease. Therefore, it has been classified as a Variant of Uncertain Significance. Algorithms developed to predict the effect of missense changes on protein structure and function (SIFT, PolyPhen-2, Align-GVGD) all suggest that this variant is likely to be disruptive. ClinVar contains an entry for this variant (Variation ID: 1003016). This variant is not present in population databases (gnomAD no frequency). This sequence change replaces glutamic acid, which is acidic and polar, with glutamine, which is neutral and polar, at codon 1014 of the CACNA1S protein (p.Glu1014Gln).